The following is an entry in ClinVar:

ClinVar aggregate classification (germline): Uncertain significance. Review status: criteria provided, single submitter (1 of 4 stars). 2 submissions from 2 submitters: Uncertain significance (1). 1 of the submissions does not count toward it. Last evaluated 2025-11-08.

Conditions:
Pancreatic adenocarcinoma. Identifiers: MedGen C0281361, MONDO:0006047, HP:0006725.

Submissions (2):

Ambry Genetics
Classification: Uncertain significance. Last evaluated: 2025-11-08. Review status: criteria provided, single submitter. Criteria: Ambry Variant Classification Scheme 2023. Collection method: clinical testing. Allele origin: germline.
Comment: The p.A35P variant (also known as c.103G>C), located in coding exon 1 of the PALLD gene, results from a G to C substitution at nucleotide position 103. The alanine at codon 35 is replaced by proline, an amino acid with highly similar properties. This amino acid position is conserved. In addition, the in silico prediction for this alteration is inconclusive. Based on the available evidence, the clinical significance of this variant remains unclear.

Labcorp Genetics (formerly Invitae), Labcorp
Classification: Uncertain significance for Pancreatic adenocarcinoma. Last evaluated: 2014-06-11. Review status: no assertion criteria provided. Collection method: clinical testing. Allele origin: germline. Not counted in ClinVar's aggregate classification.
Comment: The interpretation for this sequence variant was made by Invitae based on the ACMG guidelines.

NM_001166108.2(PALLD):c.1965-12928G>C

Gene: PALLD (palladin, cytoskeletal associated protein; plus strand). Cytogenetic location: 4q32.3.
Variant type: single nucleotide variant.
Coding change: c.1965-12928G>C on transcript NM_001166108.2 (MANE Select); 12928 bases into the intron before coding-DNA position 1965, G replaced by C.
Molecular consequence: intron variant. On other transcripts: missense variant (1).
Genome position (GRCh38, 1-based): chr4:168,877,994, G>C. VCF-style: chr4-168877994-G-C. GRCh37 (hg19) VCF-style: chr4-169799145-G-C.
Other names: c.103G>C, p.Ala35Pro (NM_001166110.2); c.1965-12928G>C (NM_016081.4); c.819-12928G>C (NM_001166109.2); c.-157-12928G>C (NM_001367570.1, NM_001367568.1, NM_001367567.1 and 1 more transcripts); short protein forms A35P.
Identifiers: ClinVar variation 135994 (VCV000135994.2), dbSNP rs587780753, ClinGen allele CA332717.